The following is an entry in ClinVar:

ClinVar aggregate classification (germline): Uncertain significance. Review status: criteria provided, multiple submitters, no conflicts (2 of 4 stars). 3 submissions from 3 submitters: Uncertain significance (3). Last evaluated 2025-08-26.

Conditions:
Inborn genetic diseases. Identifiers: MedGen C0950123, MeSH D030342.
Nephrotic syndrome, type 12 (NPHS12). Identifiers: Orphanet 656, MedGen C4225166, MONDO:0014817, OMIM 616892.

Allele frequency attached by ClinVar (database versions not stated): ExAC 0.00001; gnomAD 0.00001; ESP Exome Variant Server 0.00008; 1000 Genomes Project 30x 0.00016; 1000 Genomes Project 0.00020.
gnomAD v4.1: 9 of 1,613,942 alleles (0.00056%); highest among the groups gnomAD compares: Middle Eastern, 0.016%; no homozygotes.

Submissions (3):

3billion
Classification: Uncertain significance for Nephrotic syndrome, type 12. Last evaluated: 2025-08-26. Review status: criteria provided, single submitter. Criteria: ACMG Guidelines, 2015. Collection method: clinical testing. Allele origin: germline. Affected: yes.
Comment: The variant is observed at an extremely low frequency in the gnomAD v4.1.0 dataset (total allele frequency: <0.001%). Predicted Consequence/Location: Missense variant In silico tool predictions suggest damaging effect of the variant on gene or gene product [REVEL: 0.78 (>=0.6, sensitivity 0.68 and specificity 0.92)]. The variant has been reported as of uncertain significance (ClinVar ID: VCV002219941). Therefore, this variant is classified as VUS according to the recommendation of ACMG/AMP guideline.

Blueprint Genetics
Classification: Uncertain significance. Last evaluated: 2024-09-30. Review status: criteria provided, single submitter. Criteria: ACMG Guidelines, 2015. Collection method: clinical testing. Allele origin: germline.

Ambry Genetics
Classification: Uncertain significance for Inborn genetic diseases. Last evaluated: 2022-10-05. Review status: criteria provided, single submitter. Criteria: Ambry Variant Classification Scheme 2023. Collection method: clinical testing. Allele origin: germline.

NM_014669.5(NUP93):c.554A>G (p.Tyr185Cys)

Gene: NUP93 (nucleoporin 93; plus strand). Cytogenetic location: 16q13.
Variant type: single nucleotide variant.
Coding change: c.554A>G on transcript NM_014669.5 (MANE Select); coding-DNA position 554, A replaced by G.
Protein change: p.Tyr185Cys; replaces tyrosine 185 with cysteine.
Molecular consequence: missense variant.
Genome position (GRCh38, 1-based): chr16:56,818,728, A>G. VCF-style: chr16-56818728-A-G. GRCh37 (hg19) VCF-style: chr16-56852640-A-G.
Other names: c.185A>G, p.Tyr62Cys (NM_001242795.2, NM_001242796.2); short protein forms Y62C, Y185C.
Identifiers: ClinVar variation 2219941 (VCV002219941.4), dbSNP rs184256098, ClinGen allele CA8068127.